The following is an entry in ClinVar:

NM_015559.3(SETBP1):c.2518T>C (p.Ser840Pro)

Gene: SETBP1 (SET binding protein 1; plus strand). Cytogenetic location: 18q12.3.
Variant type: single nucleotide variant.
Coding change: c.2518T>C on transcript NM_015559.3 (MANE Select); coding-DNA position 2518, T replaced by C.
Protein change: p.Ser840Pro; replaces serine 840 with proline.
Molecular consequence: missense variant.
Genome position (GRCh38, 1-based): chr18:44,951,858, T>C. VCF-style: chr18-44951858-T-C. GRCh37 (hg19) VCF-style: chr18-42531823-T-C.
Other names: c.2518T>C, p.Ser840Pro (NM_001379141.1, NM_001379142.1, NM_001410862.1); short protein forms S840P.
Identifiers: ClinVar variation 2695002 (VCV002695002.3), dbSNP rs2511472184, ClinGen allele CA402321585.

ClinVar aggregate classification (germline): Uncertain significance (1 of 4 stars; one submission).

Submission:

Labcorp Genetics (formerly Invitae), Labcorp
Classification: Uncertain significance. Last evaluated: 2023-11-10. Review status: criteria provided, single submitter. Criteria: Invitae Variant Classification Sherloc (09022015). Collection method: clinical testing. Allele origin: germline.
Comment: This sequence change replaces serine, which is neutral and polar, with proline, which is neutral and non-polar, at codon 840 of the SETBP1 protein (p.Ser840Pro). This variant is not present in population databases (gnomAD no frequency). This variant has not been reported in the literature in individuals affected with SETBP1-related conditions. Advanced modeling of protein sequence and biophysical properties (such as structural, functional, and spatial information, amino acid conservation, physicochemical variation, residue mobility, and thermodynamic stability) performed at Invitae indicates that this missense variant is expected to disrupt SETBP1 protein function with a positive predictive value of 80%. In summary, the available evidence is currently insufficient to determine the role of this variant in disease. Therefore, it has been classified as a Variant of Uncertain Significance.